The following is an entry in ClinVar:

NM_019109.5(ALG1):c.29C>A (p.Ala10Glu)

Genes: ALG1 (ALG1 chitobiosyldiphosphodolichol beta-mannosyltransferase; plus strand), LOC130058383 (ATAC-STARR-seq lymphoblastoid active region 10348; plus strand). Cytogenetic location: 16p13.3.
Variant type: single nucleotide variant.
Coding change: c.29C>A on transcript NM_019109.5 (MANE Select); coding-DNA position 29, C replaced by A.
Protein change: p.Ala10Glu; replaces alanine 10 with glutamic acid.
Molecular consequence: missense variant.
Genome position (GRCh38, 1-based): chr16:5,071,878, C>A. VCF-style: chr16-5071878-C-A. GRCh37 (hg19) VCF-style: chr16-5121879-C-A.
Other names: c.29C>A (NM_019109.4); short protein forms A10E.
Identifiers: ClinVar variation 1448056 (VCV001448056.6), dbSNP rs767455250, ClinGen allele CA394678438.

ClinVar aggregate classification (germline): Uncertain significance. Review status: criteria provided, multiple submitters, no conflicts (2 of 4 stars). 3 submissions from 3 submitters: Uncertain significance (3). Last evaluated 2025-08-07.

Conditions:
ALG1-congenital disorder of glycosylation. Also called: CONGENITAL DISORDER OF GLYCOSYLATION, TYPE Ik; CDG Ik; ALG1-CDG. Identifiers: Orphanet 79327, MedGen C2931005, MONDO:0012052, OMIM 608540.
Inborn genetic diseases. Identifiers: MedGen C0950123, MeSH D030342.

gnomAD v4.1: 46 of 1,604,104 alleles (0.0029%); highest among the groups gnomAD compares: Non-Finnish European, 0.0034%; no homozygotes.

Submissions (3):

Ambry Genetics
Classification: Uncertain significance for Inborn genetic diseases. Last evaluated: 2025-08-07. Review status: criteria provided, single submitter. Criteria: Ambry Variant Classification Scheme 2023. Collection method: clinical testing. Allele origin: germline.

Fulgent Genetics
Classification: Uncertain significance for ALG1-congenital disorder of glycosylation. Last evaluated: 2022-03-09. Review status: criteria provided, single submitter. Criteria: ACMG Guidelines, 2015. Collection method: clinical testing. Allele origin: unknown.

Labcorp Genetics (formerly Invitae), Labcorp
Classification: Uncertain significance for ALG1-congenital disorder of glycosylation. Last evaluated: 2021-11-11. Review status: criteria provided, single submitter. Criteria: Invitae Variant Classification Sherloc (09022015). Collection method: clinical testing. Allele origin: germline.
Comment: This sequence change replaces alanine, which is neutral and non-polar, with glutamic acid, which is acidic and polar, at codon 10 of the ALG1 protein (p.Ala10Glu). The frequency data for this variant in the population databases is considered unreliable, as metrics indicate poor data quality at this position in the gnomAD database. This variant has not been reported in the literature in individuals affected with ALG1-related conditions. Advanced modeling of protein sequence and biophysical properties (such as structural, functional, and spatial information, amino acid conservation, physicochemical variation, residue mobility, and thermodynamic stability) performed at Invitae indicates that this missense variant is not expected to disrupt ALG1 protein function. In summary, the available evidence is currently insufficient to determine the role of this variant in disease. Therefore, it has been classified as a Variant of Uncertain Significance.